The following is an entry in ClinVar:

NM_002317.7(LOX):c.715G>C (p.Ala239Pro)

Genes: LOX (lysyl oxidase; minus strand), SRFBP1 (serum response factor binding protein 1; plus strand). Cytogenetic location: 5q23.1.
Variant type: single nucleotide variant.
Coding change: c.715G>C on transcript NM_002317.7 (MANE Select); coding-DNA position 715, G replaced by C.
Protein change: p.Ala239Pro; replaces alanine 239 with proline.
Molecular consequence: missense variant. On other transcripts: intron variant (1).
Genome position (GRCh38, 1-based): chr5:122,076,918, C>G on the plus strand (G>C on the coding strand, the complement: LOX is on the minus strand). VCF-style: chr5-122076918-C-G. GRCh37 (hg19) VCF-style: chr5-121412613-C-G.
Other names: c.25G>C, p.Ala9Pro (NM_001178102.2); c.-152+174G>C (NM_001317073.1); short protein forms A9P, A239P.
Identifiers: ClinVar variation 4824768 (VCV004824768.1).

ClinVar aggregate classification (germline): Uncertain significance (1 of 4 stars; one submission).

Conditions:
Cardiovascular phenotype. Identifiers: MedGen CN230736.

Submission:

Ambry Genetics
Classification: Uncertain significance for Cardiovascular phenotype. Last evaluated: 2026-02-14. Review status: criteria provided, single submitter. Criteria: Ambry Variant Classification Scheme 2023. Collection method: clinical testing. Allele origin: germline.
Comment: The p.A239P variant (also known as c.715G>C), located in coding exon 2 of the LOX gene, results from a G to C substitution at nucleotide position 715. The alanine at codon 239 is replaced by proline, an amino acid with highly similar properties. This amino acid position is conserved. In addition, this alteration is predicted to be deleterious by in silico analysis. Based on the available evidence, the clinical significance of this variant remains unclear.